The following is an entry in ClinVar:

ClinVar aggregate classification (germline): Likely benign. Review status: criteria provided, multiple submitters, no conflicts (2 of 4 stars). 3 submissions from 3 submitters: Likely benign (2). 1 of the submissions does not count toward it. Last evaluated 2025-10-21.

Conditions:
POMGNT1-related disorder. Also called: POMGNT1-related disorders; POMGNT1-related condition. Identifiers: MedGen CN239299.
Autosomal recessive limb-girdle muscular dystrophy type 2O. Also called: Limb-Girdle Muscular Dystrophy Type 3C; MUSCULAR DYSTROPHY-DYSTROGLYCANOPATHY (LIMB-GIRDLE), TYPE C, 3; MUSCULAR DYSTROPHY-DYSTROGLYCANOPATHY, LIMB-GIRDLE, POMGNT1-RELATED. Identifiers: Orphanet 206564, MedGen C3150417, MONDO:0013161, OMIM 613157.
Muscular dystrophy-dystroglycanopathy (congenital with impaired intellectual development), type B, 3. Also called: Muscular dystrophy-dystroglycanopathy (congenital with intellectual disability), type B3; MUSCULAR DYSTROPHY, CONGENITAL, POMGNT1-RELATED. Identifiers: MedGen C3150412, MONDO:0013155, OMIM 613151.

Allele frequency attached by ClinVar (database versions not stated): TOPMed 0.00003.
gnomAD v4.1: 17 of 1,613,570 alleles (0.0011%); highest among the groups gnomAD compares: Admixed American, 0.01%; no homozygotes.

Submissions (3):

Labcorp Genetics (formerly Invitae), Labcorp
Classification: Likely benign for Autosomal recessive limb-girdle muscular dystrophy type 2O; Muscular dystrophy-dystroglycanopathy (congenital with impaired intellectual development), type B, 3. Last evaluated: 2025-10-21. Review status: criteria provided, single submitter. Criteria: Invitae Variant Classification Sherloc (09022015). Collection method: clinical testing. Allele origin: germline.

GeneDx
Classification: Likely benign. Last evaluated: 2017-11-14. Review status: criteria provided, single submitter. Criteria: GeneDx Variant Classification (06012015). Collection method: clinical testing. Allele origin: germline. Affected: yes.
Comment: This variant is considered likely benign or benign based on one or more of the following criteria: it is a conservative change, it occurs at a poorly conserved position in the protein, it is predicted to be benign by multiple in silico algorithms, and/or has population frequency not consistent with disease.

PreventionGenetics, part of Exact Sciences
Classification: Likely benign for POMGNT1-related condition. Last evaluated: 2019-05-02. Review status: no assertion criteria provided. Collection method: clinical testing. Allele origin: germline. Not counted in ClinVar's aggregate classification.
Comment: This variant is classified as likely benign based on ACMG/AMP sequence variant interpretation guidelines (Richards et al. 2015 PMID: 25741868, with internal and published modifications).

NM_017739.4(POMGNT1):c.535-7C>T

Genes: POMGNT1 (protein O-linked mannose N-acetylglucosaminyltransferase 1 (beta 1,2-); minus strand), TSPAN1 (tetraspanin 1; plus strand). Cytogenetic location: 1p34.1.
Variant type: single nucleotide variant.
Coding change: c.535-7C>T on transcript NM_017739.4 (MANE Select); 7 bases into the intron before coding-DNA position 535, C replaced by T.
Molecular consequence: intron variant.
Genome position (GRCh38, 1-based): chr1:46,194,968, G>A on the plus strand (C>T on the coding strand, the complement: POMGNT1 is on the minus strand). VCF-style: chr1-46194968-G-A. GRCh37 (hg19) VCF-style: chr1-46660640-G-A.
Other names: c.535-7C>T (NM_001243766.2, NM_001438686.1, NM_001438688.1 and 3 more transcripts); c.469-7C>T (NM_001290129.3, NM_001438691.1, NM_001438692.1); c.106-7C>T (NM_001290130.2).
Identifiers: ClinVar variation 513343 (VCV000513343.14), dbSNP rs375913574, ClinGen allele CA833690.
Genomic context (GRCh38, chr1:46,194,968, plus strand): 5'-CAGGCTCCTCAGCAGAGCCTTGGCTGTGTCCTTGAGGTGGAAGGAGCCCTCATCCTGGGG[G>A]ACCAGAGAAGGCAGTTAGCCTGACTGGCATGGTTCCAGGAGACCTGGCCTCACAGAGCAC-3'